The following is an entry in ClinVar:

ClinVar aggregate classification (germline): Uncertain significance. Review status: criteria provided, multiple submitters, no conflicts (2 of 4 stars). 3 submissions from 3 submitters: Uncertain significance (3). Last evaluated 2024-09-10.

Conditions:
Hereditary cancer-predisposing syndrome. Also called: Hereditary neoplastic syndrome; Hereditary Cancer Syndrome; Tumor predisposition; Neoplastic Syndromes, Hereditary. Identifiers: Orphanet 140162, MedGen C0027672, MeSH D009386, MONDO:0015356.
Birt-Hogg-Dube syndrome. Also called: Birt Hogg Dubé syndrome. Identifiers: Orphanet 122, MedGen C0346010, MONDO:0800444.

Allele frequency attached by ClinVar (database versions not stated): gnomAD exomes below 0.00001.
gnomAD v4.1: 1 of 1,613,508 alleles (0.000062%); highest among the groups gnomAD compares: Non-Finnish European, 0.000085%; no homozygotes.

Submissions (3):

GeneDx
Classification: Uncertain significance. Last evaluated: 2024-09-10. Review status: criteria provided, single submitter. Criteria: GeneDx Variant Classification Process June 2021. Collection method: clinical testing. Allele origin: germline. Affected: yes.
Comment: Not observed at significant frequency in large population cohorts (gnomAD); In silico analysis supports that this missense variant has a deleterious effect on protein structure/function; Has not been previously published as pathogenic or benign to our knowledge

Ambry Genetics
Classification: Uncertain significance for Hereditary cancer-predisposing syndrome. Last evaluated: 2021-03-31. Review status: criteria provided, single submitter. Criteria: Ambry Variant Classification Scheme 2023. Collection method: clinical testing. Allele origin: germline.
Comment: The p.P16L variant (also known as c.47C>T), located in coding exon 1 of the FLCN gene, results from a C to T substitution at nucleotide position 47. The proline at codon 16 is replaced by leucine, an amino acid with similar properties. This amino acid position is highly conserved in available vertebrate species. In addition, this alteration is predicted to be deleterious by in silico analysis. Since supporting evidence is limited at this time, the clinical significance of this alteration remains unclear.

Labcorp Genetics (formerly Invitae), Labcorp
Classification: Uncertain significance for Birt-Hogg-Dube syndrome. Last evaluated: 2019-11-13. Review status: criteria provided, single submitter. Criteria: Invitae Variant Classification Sherloc (09022015). Collection method: clinical testing. Allele origin: germline.
Comment: This sequence change replaces proline with leucine at codon 16 of the FLCN protein (p.Pro16Leu). The proline residue is highly conserved and there is a moderate physicochemical difference between proline and leucine. This variant is not present in population databases (ExAC no frequency). This variant has not been reported in the literature in individuals with FLCN-related conditions. Algorithms developed to predict the effect of missense changes on protein structure and function are either unavailable or do not agree on the potential impact of this missense change (SIFT: "Deleterious"; PolyPhen-2: "Probably Damaging"; Align-GVGD: "Class C0"). In summary, the available evidence is currently insufficient to determine the role of this variant in disease. Therefore, it has been classified as a Variant of Uncertain Significance.

NM_144997.7(FLCN):c.47C>T (p.Pro16Leu)

Gene: FLCN (folliculin; minus strand). Cytogenetic location: 17p11.2.
Variant type: single nucleotide variant.
Coding change: c.47C>T on transcript NM_144997.7 (MANE Select); coding-DNA position 47, C replaced by T.
Protein change: p.Pro16Leu; replaces proline 16 with leucine.
Molecular consequence: missense variant.
Genome position (GRCh38, 1-based): chr17:17,228,091, G>A on the plus strand (C>T on the coding strand, the complement: FLCN is on the minus strand). VCF-style: chr17-17228091-G-A. GRCh37 (hg19) VCF-style: chr17-17131405-G-A.
Other names: c.47C>T, p.Pro16Leu (NM_001353229.2, NM_001353230.2, NM_001353231.2 and 1 more transcripts); short protein forms P16L.
Identifiers: ClinVar variation 971240 (VCV000971240.10), dbSNP rs1597618496, ClinGen allele CA398535433.